The following is an entry in ClinVar:

ClinVar aggregate classification (germline): Pathogenic (1 of 4 stars; one submission).

Conditions:
GRN-related frontotemporal lobar degeneration with Tdp43 inclusions (FTD2). Also called: DEMENTIA, HEREDITARY DYSPHASIC DISINHIBITION; FRONTOTEMPORAL LOBAR DEGENERATION WITH UBIQUITIN-POSITIVE INCLUSIONS; FTLD-TDP, GRN-RELATED; GRN Frontotemporal Dementia; FRONTOTEMPORAL DEMENTIA WITH TDP43 INCLUSIONS, GRN-RELATED. Identifiers: Orphanet 100070, Orphanet 282, MedGen C1843792, MONDO:0011842, OMIM 607485. Disease mechanism: loss of function.
Neuronal ceroid lipofuscinosis 11. Also called: GRN-Related Neuronal Ceroid-Lipofuscinosis. Identifiers: Orphanet 314629, Orphanet 79262, MedGen C3539123, MONDO:0013866, OMIM 614706.

Submission:

Labcorp Genetics (formerly Invitae), Labcorp
Classification: Pathogenic for Neuronal ceroid lipofuscinosis 11; GRN-related frontotemporal lobar degeneration with Tdp43 inclusions. Last evaluated: 2025-01-15. Review status: criteria provided, single submitter. Criteria: Invitae Variant Classification Sherloc (09022015). Collection method: clinical testing. Allele origin: germline.
Comment: This sequence change affects a donor splice site in intron 10 of the GRN gene. It is expected to disrupt RNA splicing. Variants that disrupt the donor or acceptor splice site typically lead to a loss of protein function (PMID: 16199547), and loss-of-function variants in GRN are known to be pathogenic (PMID: 16862116, 16950801, 22608501). This variant is not present in population databases (gnomAD no frequency). Disruption of this splice site has been observed in individuals with clinical features of autosomal dominant frontotemporal dementia (PMID: 20142524; internal data). ClinVar contains an entry for this variant (Variation ID: 2007840). Algorithms developed to predict the effect of sequence changes on RNA splicing suggest that this variant may disrupt the consensus splice site. For these reasons, this variant has been classified as Pathogenic.

Literature cited by the submitters: PubMed 16199547; PubMed 16862116; PubMed 16950801; PubMed 22608501; PubMed 20142524.

NM_002087.4(GRN):c.1179+1G>C

Gene: GRN (granulin precursor; plus strand). Cytogenetic location: 17q21.31.
Variant type: single nucleotide variant.
Coding change: c.1179+1G>C on transcript NM_002087.4 (MANE Select); the canonical splice donor site of the intron after coding-DNA position 1179, G replaced by C.
Molecular consequence: splice donor variant.
Genome position (GRCh38, 1-based): chr17:44,351,796, G>C. VCF-style: chr17-44351796-G-C. GRCh37 (hg19) VCF-style: chr17-42429164-G-C.
Identifiers: ClinVar variation 2007840 (VCV002007840.4), dbSNP rs2510057446, ClinGen allele CA399766655.